The following is an entry in ClinVar:

ClinVar aggregate classification (germline): Uncertain significance (1 of 4 stars; one submission).

Allele frequency attached by ClinVar (database versions not stated): gnomAD 0.00001; gnomAD exomes 0.00002; TOPMed 0.00003; ESP Exome Variant Server 0.00008.

Submission:

Ambry Genetics
Classification: Uncertain significance. Last evaluated: 2023-01-03. Review status: criteria provided, single submitter. Criteria: Ambry Variant Classification Scheme 2023. Collection method: clinical testing. Allele origin: germline.
Comment: The p.M325V variant (also known as c.973A>G), located in coding exon 10 of the BUB1 gene, results from an A to G substitution at nucleotide position 973. The methionine at codon 325 is replaced by valine, an amino acid with highly similar properties. This amino acid position is conserved. In addition, this alteration is predicted to be tolerated by in silico analysis. Since supporting evidence is limited at this time, the clinical significance of this alteration remains unclear.

NM_004336.5(BUB1):c.973A>G (p.Met325Val)

Gene: BUB1 (BUB1 mitotic checkpoint serine/threonine kinase; minus strand). Cytogenetic location: 2q13.
Variant type: single nucleotide variant.
Coding change: c.973A>G on transcript NM_004336.5 (MANE Select); coding-DNA position 973, A replaced by G.
Protein change: p.Met325Val; replaces methionine 325 with valine.
Molecular consequence: missense variant.
Genome position (GRCh38, 1-based): chr2:110,661,826, T>C on the plus strand (A>G on the coding strand, the complement: BUB1 is on the minus strand). VCF-style: chr2-110661826-T-C. GRCh37 (hg19) VCF-style: chr2-111419403-T-C.
Other names: c.913A>G, p.Met305Val (NM_001278616.2); c.973A>G, p.Met325Val (NM_001278617.2); short protein forms M325V, M305V.
Identifiers: ClinVar variation 2464774 (VCV002464774.2), dbSNP rs376161974, ClinGen allele CA53536684.